The following is an entry in ClinVar:

ClinVar aggregate classification (germline): Likely benign (1 of 4 stars; one submission).

gnomAD v4.1: 39 of 1,613,754 alleles (0.0024%); highest among the groups gnomAD compares: Non-Finnish European, 0.0031%; no homozygotes.

Submission:

CeGaT Center for Human Genetics Tuebingen
Classification: Likely benign. Last evaluated: 2026-07-01. Review status: criteria provided, single submitter. Criteria: CeGaT Center For Human Genetics Tuebingen Variant Classification Criteria Version 2. Collection method: clinical testing. Allele origin: germline. Affected: yes. Observed: 1 variant allele.
Comment: RFX3: BS2

NM_001282116.2(RFX3):c.1202+11A>G

Gene: RFX3 (regulatory factor X3; minus strand). Cytogenetic location: 9p24.2.
Variant type: single nucleotide variant.
Coding change: c.1202+11A>G on transcript NM_001282116.2 (MANE Select); 11 bases into the intron after coding-DNA position 1202, A replaced by G.
Molecular consequence: intron variant. On other transcripts: missense variant (1).
Genome position (GRCh38, 1-based): chr9:3,270,992, T>C on the plus strand (A>G on the coding strand, the complement: RFX3 is on the minus strand). VCF-style: chr9-3270992-T-C. GRCh37 (hg19) VCF-style: chr9-3270992-T-C.
Other names: c.1213A>G, p.Thr405Ala (NM_001282117.2); c.1202+11A>G (NM_001377999.1, NM_134428.3, NM_002919.4); short protein forms T405A.
Identifiers: ClinVar variation 5038968 (VCV005038968.1).